The following is an entry in ClinVar:

NM_012123.4(MTO1):c.1450C>T (p.Arg484Trp)

Gene: MTO1 (mitochondrial tRNA translation optimization 1; plus strand). Cytogenetic location: 6q13.
Variant type: single nucleotide variant.
Coding change: c.1450C>T on transcript NM_012123.4 (MANE Select); coding-DNA position 1450, C replaced by T.
Protein change: p.Arg484Trp; replaces arginine 484 with tryptophan.
Molecular consequence: missense variant.
Genome position (GRCh38, 1-based): chr6:73,482,229, C>T. VCF-style: chr6-73482229-C-T. GRCh37 (hg19) VCF-style: chr6-74191952-C-T.
Other names: c.1570C>T, p.Arg524Trp (NM_001123226.2); c.1525C>T, p.Arg509Trp (NM_133645.3); short protein forms R484W, R509W, R524W.
Identifiers: ClinVar variation 408272 (VCV000408272.22), dbSNP rs748152539, ClinGen allele CA3889641.

ClinVar aggregate classification (germline): Pathogenic/Likely pathogenic. Review status: criteria provided, multiple submitters, no conflicts (2 of 4 stars). 9 submissions from 9 submitters: Pathogenic (5); Likely pathogenic (4). Last evaluated 2026-07-21.

Conditions:
Fetal anomalies with a likely genetic cause.
MTO1-related disorder. Also called: MTO1-related condition.
Mitochondrial hypertrophic cardiomyopathy with lactic acidosis due to MTO1 deficiency. Also called: CARDIOMYOPATHY, INFANTILE HYPERTROPHIC MITOCHONDRIAL, AND LACTIC ACIDOSIS; Combined oxidative phosphorylation deficiency 10. Identifiers: Orphanet 314637, MedGen C4749921, MONDO:0013865, OMIM 614702.

Allele frequency attached by ClinVar (database versions not stated): ExAC 0.00002; gnomAD exomes 0.00002 and 0.00006; TOPMed 0.00003; gnomAD 0.00004.
gnomAD v4.1: 92 of 1,613,892 alleles (0.0057%); highest among the groups gnomAD compares: Non-Finnish European, 0.0072%; no homozygotes.

Submissions (9):

Genetics Laboratory, Great Ormond Street Hospital NHS Foundation Trust, North Thames Genomic Laboratory Hub
Classification: Likely pathogenic for Fetal anomalies with a likely genetic cause. Last evaluated: 2026-07-21. Review status: criteria provided, single submitter. Criteria: ACGS Best Practice Guidelines for Variant Classification in Rare Disease 2024 v1.2. Collection method: clinical testing. Allele origin: germline. Affected: yes.
Comment: PM2_moderate, PP3_supporting, PM5_moderate, PM3_moderate

OLLIN Analises Genomicas, OLLIN
Classification: Pathogenic for Mitochondrial hypertrophic cardiomyopathy with lactic acidosis due to MTO1 deficiency. Last evaluated: 2026-02-13. Review status: criteria provided, single submitter. Criteria: ACMG Guidelines 2015 PMID 25741868. Collection method: clinical testing. Allele origin: germline. Observed: 1 variant allele.
Comment: PM2_P, PM3_VS, PM5, PP1, PP3_M

Dasa
Classification: Pathogenic. Last evaluated: 2026-01-23. Review status: criteria provided, single submitter. Criteria: DASA Assertion Criteria. Collection method: clinical testing. Allele origin: germline.
Comment: NM_012123.4(MTO1):c.1450C>T (p.Arg484Trp) is a missense variant that results in the substitution of arginine with tryptophan. This variant has been recurrently observed in individuals with related phenotype (PMID: 29331171; PMID: 30831263; PMID: 31451716; PMID: 31842146). Segregation evidence has been reported in affected families. Multiple computational predictions support a deleterious effect on the gene or gene product. The variant is present at low frequency in population datasets. Based on the available data, this variant is classified as pathogenic.

Labcorp Genetics (formerly Invitae), Labcorp
Classification: Pathogenic for Mitochondrial hypertrophic cardiomyopathy with lactic acidosis due to MTO1 deficiency. Last evaluated: 2025-09-15. Review status: criteria provided, single submitter. Criteria: Invitae Variant Classification Sherloc (09022015). Collection method: clinical testing. Allele origin: germline.
Comment: This sequence change replaces arginine, which is basic and polar, with tryptophan, which is neutral and slightly polar, at codon 484 of the MTO1 protein (p.Arg484Trp). This variant is present in population databases (rs748152539, gnomAD 0.004%). This missense change has been observed in individual(s) with combined oxidative phosphorylation deficiency 10 (PMID: 29331171, 30831263, 31451716, 31842146). In at least one individual the data is consistent with being in trans (on the opposite chromosome) from a pathogenic variant. It has also been observed to segregate with disease in related individuals. ClinVar contains an entry for this variant (Variation ID: 408272). Invitae Evidence Modeling of protein sequence and biophysical properties (such as structural, functional, and spatial information, amino acid conservation, physicochemical variation, residue mobility, and thermodynamic stability) indicates that this missense variant is expected to disrupt MTO1 protein function with a positive predictive value of 95%. For these reasons, this variant has been classified as Pathogenic.

GeneDx
Classification: Likely pathogenic. Last evaluated: 2025-03-04. Review status: criteria provided, single submitter. Criteria: GeneDx Variant Classification Process June 2021. Collection method: clinical testing. Allele origin: germline. Affected: yes.
Comment: Not observed at significant frequency in large population cohorts (gnomAD); In silico analysis supports that this missense variant has a deleterious effect on protein structure/function; This variant is associated with the following publications: (PMID: 30831263, 29331171, 33258288, Almeida2023_Article, 31451716, 31842146, 38465286)

Service de Génétique Médicale, Centre Hospitalier Universitaire de Nice-Université Côte d'Azur
Classification: Likely pathogenic for Mitochondrial hypertrophic cardiomyopathy with lactic acidosis due to MTO1 deficiency. Last evaluated: 2024-02-27. Review status: criteria provided, single submitter. Criteria: ACMG Guidelines, 2015. Collection method: clinical testing. Allele origin: germline. Affected: yes.

Blueprint Genetics
Classification: Pathogenic for MTO1-related disorders. Last evaluated: 2023-09-26. Review status: criteria provided, single submitter. Criteria: ACMG Guidelines, 2015. Collection method: clinical testing. Allele origin: germline. Affected: yes. Observed: 4 variant alleles.

Fulgent Genetics
Classification: Likely pathogenic for Mitochondrial hypertrophic cardiomyopathy with lactic acidosis due to MTO1 deficiency. Last evaluated: 2021-11-11. Review status: criteria provided, single submitter. Criteria: ACMG Guidelines, 2015. Collection method: clinical testing. Allele origin: unknown.

Institute of Human Genetics Munich, TUM University Hospital
Classification: Pathogenic for Mitochondrial hypertrophic cardiomyopathy with lactic acidosis due to MTO1 deficiency. Last evaluated: 2017-10-25. Review status: criteria provided, single submitter. Criteria: Classification criteria August 2017. Collection method: clinical testing. Allele origin: paternal. Inheritance: Autosomal recessive inheritance. Affected: yes. Observed: 1 compound heterozygote.

Literature cited by the submitters: PubMed 29331171 (cited by Dasa and Labcorp Genetics (formerly Invitae), Labcorp); PubMed 30831263 (cited by Dasa and Labcorp Genetics (formerly Invitae), Labcorp); PubMed 31451716 (cited by Dasa and Labcorp Genetics (formerly Invitae), Labcorp); PubMed 31842146 (cited by Dasa and Labcorp Genetics (formerly Invitae), Labcorp); PubMed 38703036 (cited by Service de Génétique Médicale, Centre Hospitalier Universitaire de Nice-Université Côte d'Azur).